The following is an entry in ClinVar:

NM_005902.4(SMAD3):c.784G>A (p.Asp262Asn)

Gene: SMAD3 (SMAD family member 3; plus strand). Cytogenetic location: 15q22.33.
Variant type: single nucleotide variant.
Coding change: c.784G>A on transcript NM_005902.4 (MANE Select); coding-DNA position 784, G replaced by A.
Protein change: p.Asp262Asn; replaces aspartic acid 262 with asparagine.
Molecular consequence: missense variant.
Genome position (GRCh38, 1-based): chr15:67,181,366, G>A. VCF-style: chr15-67181366-G-A. GRCh37 (hg19) VCF-style: chr15-67473704-G-A.
Other names: c.469G>A, p.Asp157Asn (NM_001145102.2); c.652G>A, p.Asp218Asn (NM_001145103.2); c.199G>A, p.Asp67Asn (NM_001145104.2); short protein forms D157N, D218N, D262N, D67N.
Identifiers: ClinVar variation 1314782 (VCV001314782.12), dbSNP rs1201995588, ClinGen allele CA392956258.

ClinVar aggregate classification (germline): Uncertain significance. Review status: criteria provided, multiple submitters, no conflicts (2 of 4 stars). 5 submissions from 5 submitters: Uncertain significance (5). Last evaluated 2026-10-02.

Conditions:
Familial thoracic aortic aneurysm and aortic dissection (TAAD). Also called: Thoracic aortic aneurysms and dissections. Identifiers: Orphanet 91387, MedGen C4707243, MONDO:0019625.
Aneurysm-osteoarthritis syndrome. Also called: SMAD3-Related Loeys-Dietz Syndrome; ANEURYSMS-OSTEOARTHRITIS SYNDROME; Loeys-Dietz syndrome, type 1C; LOEYS-DIETZ SYNDROME WITH OSTEOARTHRITIS. Identifiers: Orphanet 284984, MedGen C3151087, MONDO:0013426, OMIM 613795.

Allele frequency attached by ClinVar (database versions not stated): gnomAD 0.00001; TOPMed 0.00001.
gnomAD v4.1: 3 of 1,613,942 alleles (0.00019%); highest among the groups gnomAD compares: Non-Finnish European, 0.00025%; no homozygotes.

Submissions (5):

GeneDx
Classification: Uncertain significance. Last evaluated: 2026-10-02. Review status: criteria provided, single submitter. Criteria: GeneDx Variant Classification Process June 2021. Collection method: clinical testing. Allele origin: germline.
Comment: Not observed at significant frequency in large population cohorts (gnomAD); In silico analysis supports that this missense variant has a deleterious effect on protein structure/function; Has not been previously published as pathogenic or benign to our knowledge

Ambry Genetics
Classification: Uncertain significance for Familial thoracic aortic aneurysm and aortic dissection. Last evaluated: 2025-03-05. Review status: criteria provided, single submitter. Criteria: Ambry Variant Classification Scheme 2023. Collection method: clinical testing. Allele origin: germline.
Comment: The p.D262N variant (also known as c.784G>A), located in coding exon 6 of the SMAD3 gene, results from a G to A substitution at nucleotide position 784. The aspartic acid at codon 262 is replaced by asparagine, an amino acid with highly similar properties. This amino acid position is highly conserved in available vertebrate species. In addition, the in silico prediction for this alteration is inconclusive. Based on the available evidence, the clinical significance of this variant remains unclear.

Labcorp Genetics (formerly Invitae), Labcorp
Classification: Uncertain significance for Familial thoracic aortic aneurysm and aortic dissection. Last evaluated: 2025-02-20. Review status: criteria provided, single submitter. Criteria: Invitae Variant Classification Sherloc (09022015). Collection method: clinical testing. Allele origin: germline.
Comment: This sequence change replaces aspartic acid, which is acidic and polar, with asparagine, which is neutral and polar, at codon 262 of the SMAD3 protein (p.Asp262Asn). This variant is not present in population databases (gnomAD no frequency). This missense change has been observed in individual(s) with Loeys Dietz syndrome (internal data). ClinVar contains an entry for this variant (Variation ID: 1314782). Invitae Evidence Modeling of protein sequence and biophysical properties (such as structural, functional, and spatial information, amino acid conservation, physicochemical variation, residue mobility, and thermodynamic stability) indicates that this missense variant is not expected to disrupt SMAD3 protein function with a negative predictive value of 80%. This variant disrupts the p.Asp262 amino acid residue in SMAD3. Other variant(s) that disrupt this residue have been determined to be pathogenic (internal data). This suggests that this residue is clinically significant, and that variants that disrupt this residue are likely to be disease-causing. In summary, the available evidence is currently insufficient to determine the role of this variant in disease. Therefore, it has been classified as a Variant of Uncertain Significance.

All of Us Research Program, National Institutes of Health
Classification: Uncertain significance for Aneurysm-osteoarthritis syndrome. Last evaluated: 2023-08-08. Review status: criteria provided, single submitter. Criteria: ACMG Guidelines, 2015. Collection method: clinical testing. Allele origin: germline. Inheritance: Autosomal dominant inheritance. Observed: 1 variant allele, 1 heterozygote.
Comment: This missense variant replaces aspartic acid with asparagine at codon 262 of the SMAD3 protein. Computational prediction suggests that this variant may have a deleterious impact on protein structure and function (internally defined REVEL score threshold >= 0.7, PMID: 27666373). To our knowledge, functional studies have not been reported for this variant. This variant has not been reported in individuals affected with SMAD3-related disorders in the literature. This variant has not been identified in the general population by the Genome Aggregation Database (gnomAD). The available evidence is insufficient to determine the role of this variant in disease conclusively. Therefore, this variant is classified as a Variant of Uncertain Significance.

This study involves interpretation of variants in research participants for the purpose of population health screening. Participant phenotype was not available at the time of variant classification. Additional details can be found in publication PMID: 35346344, PMCID: PMC8962531

Blueprint Genetics
Classification: Uncertain significance. Last evaluated: 2020-01-28. Review status: criteria provided, single submitter. Criteria: ACMG Guidelines, 2015. Collection method: clinical testing. Allele origin: germline.